The following is an entry in ClinVar:

ClinVar aggregate classification (germline): Uncertain significance (1 of 4 stars; one submission).

Submission:

Labcorp Genetics (formerly Invitae), Labcorp
Classification: Uncertain significance. Last evaluated: 2023-04-29. Review status: criteria provided, single submitter. Criteria: Invitae Variant Classification Sherloc (09022015). Collection method: clinical testing. Allele origin: germline.
Comment: In summary, the available evidence is currently insufficient to determine the role of this variant in disease. Therefore, it has been classified as a Variant of Uncertain Significance. Advanced modeling of protein sequence and biophysical properties (such as structural, functional, and spatial information, amino acid conservation, physicochemical variation, residue mobility, and thermodynamic stability) has been performed at Invitae for this missense variant, however the output from this modeling did not meet the statistical confidence thresholds required to predict the impact of this variant on CACNA1E protein function. This variant has not been reported in the literature in individuals affected with CACNA1E-related conditions. This variant is not present in population databases (gnomAD no frequency). This sequence change replaces leucine, which is neutral and non-polar, with phenylalanine, which is neutral and non-polar, at codon 1790 of the CACNA1E protein (p.Leu1790Phe).

NM_001205293.3(CACNA1E):c.5370G>T (p.Leu1790Phe)

Gene: CACNA1E (calcium voltage-gated channel subunit alpha1 E; plus strand). Cytogenetic location: 1q25.3.
Variant type: single nucleotide variant.
Coding change: c.5370G>T on transcript NM_001205293.3 (MANE Select); coding-DNA position 5370, G replaced by T.
Protein change: p.Leu1790Phe; replaces leucine 1790 with phenylalanine.
Molecular consequence: missense variant.
Genome position (GRCh38, 1-based): chr1:181,783,684, G>T. VCF-style: chr1-181783684-G-T. GRCh37 (hg19) VCF-style: chr1-181752820-G-T.
Other names: c.5370G>T, p.Leu1790Phe (NM_000721.4); c.5313G>T, p.Leu1771Phe (NM_001205294.2); short protein forms L1771F, L1790F.
Identifiers: ClinVar variation 2854832 (VCV002854832.3), dbSNP rs2529234382, ClinGen allele CA343630385.